The following is an entry in ClinVar:

ClinVar aggregate classification (germline): Uncertain significance. Review status: criteria provided, multiple submitters, no conflicts (2 of 4 stars). 2 submissions from 2 submitters: Uncertain significance (2). Last evaluated 2023-11-09.

Conditions:
Inborn genetic diseases. Identifiers: MedGen C0950123, MeSH D030342.

Allele frequency attached by ClinVar (database versions not stated): ExAC 0.00001; gnomAD exomes 0.00002.
gnomAD v4.1: 4 of 1,571,294 alleles (0.00025%); highest among the groups gnomAD compares: East Asian, 0.0067%; no homozygotes.

Submissions (2):

Ambry Genetics
Classification: Uncertain significance for Inborn genetic diseases. Last evaluated: 2023-11-09. Review status: criteria provided, single submitter. Criteria: Ambry Variant Classification Scheme 2023. Collection method: clinical testing. Allele origin: germline.

Labcorp Genetics (formerly Invitae), Labcorp
Classification: Uncertain significance. Last evaluated: 2022-09-13. Review status: criteria provided, single submitter. Criteria: Invitae Variant Classification Sherloc (09022015). Collection method: clinical testing. Allele origin: germline.
Comment: Experimental studies and prediction algorithms are not available or were not evaluated, and the functional significance of this variant is currently unknown. This sequence change replaces aspartic acid, which is acidic and polar, with glutamic acid, which is acidic and polar, at codon 464 of the COL18A1 protein (p.Asp464Glu). This variant is present in population databases (rs779319415, gnomAD 0.02%). This variant has not been reported in the literature in individuals affected with COL18A1-related conditions. ClinVar contains an entry for this variant (Variation ID: 1509328). In summary, the available evidence is currently insufficient to determine the role of this variant in disease. Therefore, it has been classified as a Variant of Uncertain Significance.

NM_001379500.1(COL18A1):c.1392C>G (p.Asp464Glu)

Gene: COL18A1 (collagen type XVIII alpha 1 chain; plus strand). Cytogenetic location: 21q22.3.
Variant type: single nucleotide variant.
Coding change: c.1392C>G on transcript NM_001379500.1 (MANE Select); coding-DNA position 1392, C replaced by G.
Protein change: p.Asp464Glu; replaces aspartic acid 464 with glutamic acid.
Molecular consequence: missense variant.
Genome position (GRCh38, 1-based): chr21:45,480,150, C>G. VCF-style: chr21-45480150-C-G. GRCh37 (hg19) VCF-style: chr21-46900064-C-G.
Other names: NM_130445.2:c.1392C>G; c.1932C>G, p.Asp644Glu (NM_030582.4); c.2637C>G, p.Asp879Glu (NM_130444.3); short protein forms D644E, D464E, D879E.
Identifiers: ClinVar variation 1509328 (VCV001509328.6), dbSNP rs779319415, ClinGen allele CA10066274.